The following is an entry in ClinVar:

ClinVar aggregate classification (germline): Uncertain significance (1 of 4 stars; one submission).

Submission:

Labcorp Genetics (formerly Invitae), Labcorp
Classification: Uncertain significance. Last evaluated: 2022-06-10. Review status: criteria provided, single submitter. Criteria: Invitae Variant Classification Sherloc (09022015). Collection method: clinical testing. Allele origin: germline.
Comment: This variant has not been reported in the literature in individuals affected with COL7A1-related conditions. In summary, the available evidence is currently insufficient to determine the role of this variant in disease. Therefore, it has been classified as a Variant of Uncertain Significance. Algorithms developed to predict the effect of missense changes on protein structure and function are either unavailable or do not agree on the potential impact of this missense change (SIFT: "Tolerated"; PolyPhen-2: "Not Available"; Align-GVGD: "Class C0"). This variant is not present in population databases (gnomAD no frequency). This sequence change replaces alanine, which is neutral and non-polar, with serine, which is neutral and polar, at codon 122 of the COL7A1 protein (p.Ala122Ser).

NM_000094.4(COL7A1):c.364G>T (p.Ala122Ser)

Gene: COL7A1 (collagen type VII alpha 1 chain; minus strand). Cytogenetic location: 3p21.31.
Variant type: single nucleotide variant.
Coding change: c.364G>T on transcript NM_000094.4 (MANE Select); coding-DNA position 364, G replaced by T.
Protein change: p.Ala122Ser; replaces alanine 122 with serine.
Molecular consequence: missense variant.
Genome position (GRCh38, 1-based): chr3:48,593,599, C>A on the plus strand (G>T on the coding strand, the complement: COL7A1 is on the minus strand). VCF-style: chr3-48593599-C-A. GRCh37 (hg19) VCF-style: chr3-48631032-C-A.
Other names: short protein forms A122S.
Identifiers: ClinVar variation 2000465 (VCV002000465.4), dbSNP rs1209617628, ClinGen allele CA352748267.
Genomic context (GRCh38, chr3:48,593,599, plus strand): 5'-TGGGGACACCAGGTCGGGCCAGCTGGGGCAGGAAGACATGGTCAGCCACATGGAGAATTG[C>A]AGCCCCTGTGCGAGTGTTGCCCCCCTTGTAGCTAAGCTCACGGATGGCGCGGATCACATC-3'
Protein context (NP_000085.1, residues 112-132): YKGGNTRTGA[Ala122Ser]ILHVADHVFL